The following is an entry in ClinVar:

NM_053025.4(MYLK):c.2662C>T (p.Arg888Cys)

Gene: MYLK (myosin light chain kinase; minus strand). Cytogenetic location: 3q21.1.
Variant type: single nucleotide variant.
Coding change: c.2662C>T on transcript NM_053025.4 (MANE Select); coding-DNA position 2662, C replaced by T.
Protein change: p.Arg888Cys; replaces arginine 888 with cysteine.
Molecular consequence: missense variant.
Genome position (GRCh38, 1-based): chr3:123,700,806, G>A on the plus strand (C>T on the coding strand, the complement: MYLK is on the minus strand). VCF-style: chr3-123700806-G-A. GRCh37 (hg19) VCF-style: chr3-123419653-G-A.
Other names: c.2134C>T, p.Arg712Cys (NM_001321309.2); c.2455C>T, p.Arg819Cys (NM_053026.4, NM_053028.4); c.2662C>T, p.Arg888Cys (NM_053027.4); short protein forms R712C, R819C, R888C.
Identifiers: ClinVar variation 1063218 (VCV001063218.14), dbSNP rs147332242, ClinGen allele CA068848.

ClinVar aggregate classification (germline): Uncertain significance. Review status: criteria provided, multiple submitters, no conflicts (2 of 4 stars). 4 submissions from 4 submitters: Uncertain significance (4). Last evaluated 2025-12-16.

Conditions:
Aortic aneurysm, familial thoracic 7 (AAT7). Also called: AORTIC DISSECTION, FAMILIAL, WITH OR WITHOUT AORTIC ANEURYSM. Identifiers: MedGen C3151077, MONDO:0013418, OMIM 613780.
Megacystis-microcolon-intestinal hypoperistalsis syndrome 1. Identifiers: MedGen C5542316, MONDO:0100354, OMIM 249210.
Familial thoracic aortic aneurysm and aortic dissection (TAAD). Also called: Thoracic aortic aneurysms and dissections. Identifiers: Orphanet 91387, MedGen C4707243, MONDO:0019625.

Allele frequency attached by ClinVar (database versions not stated): ExAC 0.00002; gnomAD exomes 0.00002 and 0.00003; ESP Exome Variant Server 0.00015; gnomAD 0.00016 and 0.00018; TOPMed 0.00017.
gnomAD v4.1: 50 of 1,614,162 alleles (0.0031%); highest among the groups gnomAD compares: African/African-American, 0.043%; no homozygotes.

Submissions (4):

Ambry Genetics
Classification: Uncertain significance for Familial thoracic aortic aneurysm and aortic dissection. Last evaluated: 2025-12-16. Review status: criteria provided, single submitter. Criteria: Ambry Variant Classification Scheme 2023. Collection method: clinical testing. Allele origin: germline.
Comment: The p.R888C variant (also known as c.2662C>T), located in coding exon 15 of the MYLK gene, results from a C to T substitution at nucleotide position 2662. The arginine at codon 888 is replaced by cysteine, an amino acid with highly dissimilar properties. This amino acid position is well conserved in available vertebrate species. In addition, the in silico prediction for this alteration is inconclusive. Since supporting evidence is limited at this time, the clinical significance of this alteration remains unclear.

Labcorp Genetics (formerly Invitae), Labcorp
Classification: Uncertain significance for Aortic aneurysm, familial thoracic 7. Last evaluated: 2024-12-18. Review status: criteria provided, single submitter. Criteria: Invitae Variant Classification Sherloc (09022015). Collection method: clinical testing. Allele origin: germline.
Comment: This sequence change replaces arginine, which is basic and polar, with cysteine, which is neutral and slightly polar, at codon 888 of the MYLK protein (p.Arg888Cys). This variant is present in population databases (rs147332242, gnomAD 0.04%). This variant has not been reported in the literature in individuals affected with MYLK-related conditions. ClinVar contains an entry for this variant (Variation ID: 1063218). Invitae Evidence Modeling of protein sequence and biophysical properties (such as structural, functional, and spatial information, amino acid conservation, physicochemical variation, residue mobility, and thermodynamic stability) indicates that this missense variant is not expected to disrupt MYLK protein function with a negative predictive value of 80%. In summary, the available evidence is currently insufficient to determine the role of this variant in disease. Therefore, it has been classified as a Variant of Uncertain Significance.

GeneDx
Classification: Uncertain significance. Last evaluated: 2022-12-22. Review status: criteria provided, single submitter. Criteria: GeneDx Variant Classification Process June 2021. Collection method: clinical testing. Allele origin: germline. Affected: yes.
Comment: Has not been previously published as pathogenic or benign to our knowledge; In silico analysis supports that this missense variant has a deleterious effect on protein structure/function

Fulgent Genetics
Classification: Uncertain significance for Megacystis-microcolon-intestinal hypoperistalsis syndrome 1; Aortic aneurysm, familial thoracic 7. Last evaluated: 2021-09-02. Review status: criteria provided, single submitter. Criteria: ACMG Guidelines, 2015. Collection method: clinical testing. Allele origin: unknown.